The following is an entry in ClinVar:

NM_000264.5(PTCH1):c.2642T>C (p.Val881Ala)

Gene: PTCH1 (patched 1; minus strand). Cytogenetic location: 9q22.32.
Variant type: single nucleotide variant.
Coding change: c.2642T>C on transcript NM_000264.5 (MANE Select); coding-DNA position 2642, T replaced by C.
Protein change: p.Val881Ala; replaces valine 881 with alanine.
Molecular consequence: missense variant. On other transcripts: non-coding transcript variant (1).
Genome position (GRCh38, 1-based): chr9:95,461,917, A>G on the plus strand (T>C on the coding strand, the complement: PTCH1 is on the minus strand). VCF-style: chr9-95461917-A-G. GRCh37 (hg19) VCF-style: chr9-98224199-A-G.
Other names: c.2444T>C, p.Val815Ala (NM_001083602.3); c.2639T>C, p.Val880Ala (NM_001083603.3); c.2189T>C, p.Val730Ala (NM_001083604.3, NM_001083605.3, NM_001083606.3 and 1 more transcripts); c.2486T>C, p.Val829Ala (NM_001354918.2); short protein forms V730A, V881A, V829A, V880A, V815A.
Identifiers: ClinVar variation 844518 (VCV000844518.10), dbSNP rs1839509519, ClinGen allele CA374113406.
Genomic context (GRCh38, chr9:95,461,917, plus strand): 5'-TGGCTGATGTCGATGGGCTTATCGCGGCTGCCGGTTTGCACCAGGAGTTTGTAGGCAAGG[A>G]CTCCATCGTCTGATCCATTCTTGTAATTGTTTGGCATGATTTTCCCGGTTTCCCAGTCAC-3'
Protein context (NP_000255.2, residues 871-891): NNYKNGSDDG[Val881Ala]LAYKLLVQTG

ClinVar aggregate classification (germline): Uncertain significance (1 of 4 stars; one submission).

Conditions:
Gorlin syndrome. Also called: Nevoid Basal Cell Carcinoma Syndrome; Basal cell nevus syndrome. Identifiers: Orphanet 377, MedGen C0004779, MONDO:0007187.

Submission:

Labcorp Genetics (formerly Invitae), Labcorp
Classification: Uncertain significance for Gorlin syndrome. Last evaluated: 2019-11-26. Review status: criteria provided, single submitter. Criteria: Invitae Variant Classification Sherloc (09022015). Collection method: clinical testing. Allele origin: germline.
Comment: This sequence change replaces valine with alanine at codon 881 of the PTCH1 protein (p.Val881Ala). The valine residue is moderately conserved and there is a small physicochemical difference between valine and alanine. In summary, the available evidence is currently insufficient to determine the role of this variant in disease. Therefore, it has been classified as a Variant of Uncertain Significance. Algorithms developed to predict the effect of missense changes on protein structure and function are either unavailable or do not agree on the potential impact of this missense change (SIFT: "Deleterious"; PolyPhen-2: "Benign"; Align-GVGD: "Class C0"). This variant has not been reported in the literature in individuals with PTCH1-related conditions. This variant is not present in population databases (ExAC no frequency).